The following is an entry in ClinVar:

NM_080424.4(SP110):c.87G>C (p.Lys29Asn)

Genes: SP110 (SP110 nuclear body protein; minus strand), SP140 (SP140 nuclear body protein; plus strand). Cytogenetic location: 2q37.1.
Variant type: single nucleotide variant.
Coding change: c.87G>C on transcript NM_080424.4 (MANE Select); coding-DNA position 87, G replaced by C.
Protein change: p.Lys29Asn; replaces lysine 29 with asparagine.
Molecular consequence: missense variant.
Genome position (GRCh38, 1-based): chr2:230,216,841, C>G on the plus strand (G>C on the coding strand, the complement: SP110 is on the minus strand). VCF-style: chr2-230216841-C-G. GRCh37 (hg19) VCF-style: chr2-231081556-C-G.
Other names: c.105G>C, p.Lys35Asn (NM_001185015.2, NM_001378442.1, NM_001378444.1 and 2 more transcripts); c.87G>C, p.Lys29Asn (NM_001378443.1, NM_001378447.1, NM_004509.5 and 1 more transcripts); short protein forms K35N, K29N.
Identifiers: ClinVar variation 1356756 (VCV001356756.7), dbSNP rs2148952318, ClinGen allele CA350918998.

ClinVar aggregate classification (germline): Uncertain significance (1 of 4 stars; one submission).

Conditions:
Hepatic veno-occlusive disease-immunodeficiency syndrome. Also called: Hepatic Veno-Occlusive Disease with Immunodeficiency. Identifiers: Orphanet 79124, MedGen C1856128, MONDO:0009338, OMIM 235550. Disease mechanism: loss of function.

Submission:

Labcorp Genetics (formerly Invitae), Labcorp
Classification: Uncertain significance for Hepatic veno-occlusive disease-immunodeficiency syndrome. Last evaluated: 2022-03-19. Review status: criteria provided, single submitter. Criteria: Invitae Variant Classification Sherloc (09022015). Collection method: clinical testing. Allele origin: germline.
Comment: This variant is not present in population databases (gnomAD no frequency). This sequence change replaces lysine, which is basic and polar, with asparagine, which is neutral and polar, at codon 29 of the SP110 protein (p.Lys29Asn). This variant has not been reported in the literature in individuals affected with SP110-related conditions. In summary, the available evidence is currently insufficient to determine the role of this variant in disease. Therefore, it has been classified as a Variant of Uncertain Significance. Algorithms developed to predict the effect of missense changes on protein structure and function are either unavailable or do not agree on the potential impact of this missense change (SIFT: "Deleterious"; PolyPhen-2: "Probably Damaging"; Align-GVGD: "Class C0").